The following is an entry in ClinVar:

ClinVar aggregate classification (germline): Uncertain significance (1 of 4 stars; one submission).

Submission:

GeneDx
Classification: Uncertain significance. Last evaluated: 2024-11-15. Review status: criteria provided, single submitter. Criteria: GeneDx Variant Classification Process June 2021. Collection method: clinical testing. Allele origin: germline. Affected: yes.
Comment: Not observed at significant frequency in large population cohorts (gnomAD); In silico analysis supports that this missense variant has a deleterious effect on protein structure/function; Has not been previously published as pathogenic or benign to our knowledge

NM_015378.4(VPS13D):c.3620T>C (p.Met1207Thr)

Gene: VPS13D (vacuolar protein sorting 13 homolog D; plus strand). Cytogenetic location: 1p36.22.
Variant type: single nucleotide variant.
Coding change: c.3620T>C on transcript NM_015378.4 (MANE Select); coding-DNA position 3620, T replaced by C.
Protein change: p.Met1207Thr; replaces methionine 1207 with threonine.
Molecular consequence: missense variant.
Genome position (GRCh38, 1-based): chr1:12,277,208, T>C. VCF-style: chr1-12277208-T-C. GRCh37 (hg19) VCF-style: chr1-12337265-T-C.
Other names: c.3620T>C, p.Met1207Thr (NM_018156.4); short protein forms M1207T.
Identifiers: ClinVar variation 3899775 (VCV003899775.1).